The following is an entry in ClinVar:

ClinVar aggregate classification (germline): Pathogenic (1 of 4 stars; one submission).

Submission:

Labcorp Genetics (formerly Invitae), Labcorp
Classification: Pathogenic. Last evaluated: 2023-06-03. Review status: criteria provided, single submitter. Criteria: Invitae Variant Classification Sherloc (09022015). Collection method: clinical testing. Allele origin: unknown.
Comment: For these reasons, this variant has been classified as Pathogenic. A similar copy number variant has been observed in individual(s) with oto-dental syndrome (PMID: 17656375). A gross deletion of the genomic region encompassing the full coding sequence of the FGF3 gene has been identified. Loss-of-function variants in FGF3 are known to be pathogenic (PMID: 18435799). The boundaries of this event are unknown as they extend beyond the assayed region for this gene and therefore may encompass additional genes.

Literature cited by the submitters: PubMed 17656375; PubMed 18435799.

NC_000011.9:g.(?_69625073)_(69633701_?)del

Gene: FGF3 (fibroblast growth factor 3; minus strand). Cytogenetic location: 11q13.3.
Variant type: Deletion.
Identifiers: ClinVar variation 3244763 (VCV003244763.1).